The following is an entry in ClinVar:

ClinVar aggregate classification (germline): Likely pathogenic (1 of 4 stars; one submission).

Conditions:
Deficiency of 2-methylbutyryl-CoA dehydrogenase (ACADSB). Also called: 2-methylbutyrylglycinuria; 2-methylbutyryl-CoA dehydrogenase deficiency; SBCAD deficiency; 2-methylbutyric aciduria; Short branched-chain acyl-CoA dehydrogenase deficiency. Identifiers: Orphanet 79157, MedGen C1864912, MONDO:0012392, OMIM 610006, HP:0020147.

Submission:

Juno Genomics, Hangzhou Juno Genomics, Inc
Classification: Likely pathogenic for Deficiency of 2-methylbutyryl-CoA dehydrogenase. Review status: criteria provided, single submitter. Criteria: ACMG Guidelines, 2015. Collection method: clinical testing. Allele origin: germline. Affected: yes.
Comment: Absent from controls (or at extremely low frequency if recessive) in Genome Aggregation Database, Exome Sequencing Project, 1000 Genomes Project, or Exome Aggregation Consortium.;Null variant in a gene where loss of function (LOF) is a known mechanism of disease.

NM_001609.4(ACADSB):c.744del (p.Lys248fs)

Gene: ACADSB (acyl-CoA dehydrogenase short/branched chain; plus strand). Cytogenetic location: 10q26.13.
Variant type: Deletion.
Coding change: c.744del on transcript NM_001609.4 (MANE Select); coding-DNA position 744, one base deleted (A; older notation c.744delA).
Protein change: p.Lys248fs; shifts the reading frame from lysine 248.
Molecular consequence: frameshift variant.
Genome position (GRCh38, 1-based): chr10:123,043,108, A deleted; the last of 3 consecutive A bases (chr10:123,043,106-123,043,108); deleting any one gives the same sequence. VCF-style (leftmost placement, unchanged base first): chr10-123043105-GA-G. GRCh37 (hg19) VCF-style: chr10-124802621-GA-G.
Other names: c.438del, p.Lys146fs (NM_001330174.3); short protein forms K146fs, K248fs.
Identifiers: ClinVar variation 4796561 (VCV004796561.1).
Genomic context (GRCh38, chr10:123,043,105, plus strand): 5'-GGGATATAAGGGAATTACCTCCTTCTTAGTAGATCGTGATACTCCGGGCCTTCATATAGG[GA>G]AACCTGAAAACAAATTGGGGCTCAGAGCTTCTTCCACCTGCCCGTTAACATTCGAAAATG-3'